The following is an entry in ClinVar:

NM_014241.4(HACD1):c.483A>G (p.Pro161=)

Gene: HACD1 (3-hydroxyacyl-CoA dehydratase 1; minus strand). Cytogenetic location: 10p12.33.
Variant type: single nucleotide variant.
Coding change: c.483A>G on transcript NM_014241.4 (MANE Select); coding-DNA position 483, A replaced by G.
Protein change: p.Pro161=; no amino-acid change (proline 161 retained).
Molecular consequence: synonymous variant.
Genome position (GRCh38, 1-based): chr10:17,603,560, T>C on the plus strand (A>G on the coding strand, the complement: HACD1 is on the minus strand). VCF-style: chr10-17603560-T-C. GRCh37 (hg19) VCF-style: chr10-17645559-T-C.
Identifiers: ClinVar variation 2966204 (VCV002966204.3), dbSNP rs888612392, ClinGen allele CA203677120.

ClinVar aggregate classification (germline): Uncertain significance (1 of 4 stars; one submission).

Allele frequency attached by ClinVar (database versions not stated): TOPMed below 0.00001; gnomAD 0.00001; gnomAD exomes 0.00001.

Submission:

Labcorp Genetics (formerly Invitae), Labcorp
Classification: Uncertain significance. Last evaluated: 2023-09-26. Review status: criteria provided, single submitter. Criteria: Invitae Variant Classification Sherloc (09022015). Collection method: clinical testing. Allele origin: germline.
Comment: In summary, the available evidence is currently insufficient to determine the role of this variant in disease. Therefore, it has been classified as a Variant of Uncertain Significance. Algorithms developed to predict the effect of sequence changes on RNA splicing suggest that this variant is not likely to affect RNA splicing. This variant has not been reported in the literature in individuals affected with HACD1-related conditions. This variant is present in population databases (no rsID available, gnomAD 0.0009%). This sequence change affects codon 161 of the HACD1 mRNA. It is a 'silent' change, meaning that it does not change the encoded amino acid sequence of the HACD1 protein. It affects a nucleotide within the consensus splice site.